The following is an entry in ClinVar:

ClinVar aggregate classification (germline): Uncertain significance. Review status: criteria provided, multiple submitters, no conflicts (2 of 4 stars). 2 submissions from 2 submitters: Uncertain significance (2). Last evaluated 2025-09-08.

Conditions:
Primary ciliary dyskinesia. Also called: Ciliary dyskinesia. Identifiers: Orphanet 244, MedGen C0008780, MONDO:0016575, HP:0012265.

gnomAD v4.1: 7 of 1,613,682 alleles (0.00043%); highest among the groups gnomAD compares: Non-Finnish European, 0.00059%; no homozygotes.

Submissions (2):

Labcorp Genetics (formerly Invitae), Labcorp
Classification: Uncertain significance for Primary ciliary dyskinesia. Last evaluated: 2025-09-08. Review status: criteria provided, single submitter. Criteria: Invitae Variant Classification Sherloc (09022015). Collection method: clinical testing. Allele origin: germline.
Comment: This sequence change replaces alanine, which is neutral and non-polar, with threonine, which is neutral and polar, at codon 3388 of the DNAH11 protein (p.Ala3388Thr). This variant is not present in population databases (gnomAD no frequency). This missense change has been observed in individuals with clinical features of primary ciliary dyskinesia (internal data). Invitae Evidence Modeling of protein sequence and biophysical properties (such as structural, functional, and spatial information, amino acid conservation, physicochemical variation, residue mobility, and thermodynamic stability) indicates that this missense variant is not expected to disrupt DNAH11 protein function with a negative predictive value of 95%. Algorithms developed to predict the effect of sequence changes on RNA splicing suggest that this variant may create or strengthen a splice site. In summary, the available evidence is currently insufficient to determine the role of this variant in disease. Therefore, it has been classified as a Variant of Uncertain Significance.

Blueprint Genetics
Classification: Uncertain significance. Last evaluated: 2021-10-11. Review status: criteria provided, single submitter. Criteria: ACMG Guidelines, 2015. Collection method: clinical testing. Allele origin: germline.

NM_001277115.2(DNAH11):c.10162G>A (p.Ala3388Thr)

Gene: DNAH11 (dynein axonemal heavy chain 11; plus strand). Cytogenetic location: 7p15.3.
Variant type: single nucleotide variant.
Coding change: c.10162G>A on transcript NM_001277115.2 (MANE Select); coding-DNA position 10162, G replaced by A.
Protein change: p.Ala3388Thr; replaces alanine 3388 with threonine.
Molecular consequence: missense variant.
Genome position (GRCh38, 1-based): chr7:21,801,272, G>A. VCF-style: chr7-21801272-G-A. GRCh37 (hg19) VCF-style: chr7-21840890-G-A.
Other names: short protein forms A3388T.
Identifiers: ClinVar variation 4746748 (VCV004746748.2).